The following is an entry in ClinVar:

ClinVar aggregate classification (germline): Uncertain significance. Review status: criteria provided, multiple submitters, no conflicts (2 of 4 stars). 4 submissions from 4 submitters: Uncertain significance (4). Last evaluated 2023-12-18.

Conditions:
Anemia, congenital dyserythropoietic, type 1a (CDAN1A). Also called: DYSERYTHROPOIETIC ANEMIA, CONGENITAL, TYPE Ia; CDAN1-Related Congenital Dyserythropoietic Anemia. Identifiers: MedGen C5574667, MONDO:0009135, OMIM 224120.
Inborn genetic diseases. Identifiers: MedGen C0950123, MeSH D030342.
Congenital dyserythropoietic anemia, type I. Also called: Dyserythropoietic anemia, congenital type 1. Identifiers: Orphanet 98869, MedGen C0271933, MONDO:0020337. Disease mechanism: loss of function.

Allele frequency attached by ClinVar (database versions not stated): TOPMed 0.00007; gnomAD 0.00008 and 0.00009; gnomAD exomes 0.00008; ExAC 0.00011; ESP Exome Variant Server 0.00015.
gnomAD v4.1: 205 of 1,613,920 alleles (0.013%); highest among the groups gnomAD compares: Middle Eastern, 0.049%; no homozygotes.

Submissions (4):

Labcorp Genetics (formerly Invitae), Labcorp
Classification: Uncertain significance. Last evaluated: 2023-12-18. Review status: criteria provided, single submitter. Criteria: Invitae Variant Classification Sherloc (09022015). Collection method: clinical testing. Allele origin: germline.
Comment: This sequence change replaces aspartic acid, which is acidic and polar, with glycine, which is neutral and non-polar, at codon 589 of the CDAN1 protein (p.Asp589Gly). This variant is present in population databases (rs148074362, gnomAD 0.01%). This variant has not been reported in the literature in individuals affected with CDAN1-related conditions. ClinVar contains an entry for this variant (Variation ID: 315945). An algorithm developed to predict the effect of missense changes on protein structure and function (PolyPhen-2) suggests that this variant is likely to be disruptive. In summary, the available evidence is currently insufficient to determine the role of this variant in disease. Therefore, it has been classified as a Variant of Uncertain Significance.

Revvity Omics, Revvity
Classification: Uncertain significance for Anemia, congenital dyserythropoietic, type 1a. Last evaluated: 2023-10-16. Review status: criteria provided, single submitter. Criteria: ACMG Guidelines, 2015. Collection method: clinical testing. Allele origin: germline.

Ambry Genetics
Classification: Uncertain significance for Inborn genetic diseases. Last evaluated: 2021-07-15. Review status: criteria provided, single submitter. Criteria: Ambry Variant Classification Scheme 2023. Collection method: clinical testing. Allele origin: germline.

Illumina Laboratory Services, Illumina
Classification: Uncertain significance for Anemia, congenital dyserythropoietic, type 1a. Last evaluated: 2018-01-12. Review status: criteria provided, single submitter. Criteria: ICSL Variant Classification Criteria 13 December 2019. Collection method: clinical testing. Allele origin: germline.

NM_138477.4(CDAN1):c.1766A>G (p.Asp589Gly)

Gene: CDAN1 (codanin 1; minus strand). Cytogenetic location: 15q15.2.
Variant type: single nucleotide variant.
Coding change: c.1766A>G on transcript NM_138477.4 (MANE Select); coding-DNA position 1766, A replaced by G.
Protein change: p.Asp589Gly; replaces aspartic acid 589 with glycine.
Molecular consequence: missense variant.
Genome position (GRCh38, 1-based): chr15:42,731,305, T>C on the plus strand (A>G on the coding strand, the complement: CDAN1 is on the minus strand). VCF-style: chr15-42731305-T-C. GRCh37 (hg19) VCF-style: chr15-43023503-T-C.
Other names: c.1766A>G, p.Asp589Gly (LRG_1164t1); short protein forms D589G.
Identifiers: ClinVar variation 315945 (VCV000315945.9), dbSNP rs148074362, ClinGen allele CA7515934.
Genomic context (GRCh38, chr15:42,731,305, plus strand): 5'-TTGGGCTCATGCTGGGGCAGGGCAAGACCATTGAGCTCCTGGATCTTCAAGCTCAGACTG[T>C]CCATGAGATGCTGGTTAAACTGGAAGCTGAGAAGAAGGGGTGGGTGGGGCATAAGCACTG-3'
Protein context (NP_612486.2, residues 579-599): SSFQFNQHLM[Asp589Gly]SLSLKIQELN